The following is an entry in ClinVar:

NM_000038.6(APC):c.4152dup (p.Ser1385Ter)

Gene: APC (APC regulator of Wnt signaling pathway; plus strand). Cytogenetic location: 5q22.2.
Variant type: Duplication.
Coding change: c.4152dup on transcript NM_000038.6 (MANE Select); coding-DNA position 4152, one base duplicated (T; older notation c.4152dupT).
Protein change: p.Ser1385Ter; replaces serine 1385 with a stop codon.
Molecular consequence: nonsense. On other transcripts: non-coding transcript variant (2).
Genome position (GRCh38, 1-based): chr5:112,839,746, T duplicated; the last of 3 consecutive T bases (chr5:112,839,744-112,839,746); duplicating any one gives the same sequence. VCF-style (leftmost placement, unchanged base first): chr5-112839743-G-GT. GRCh37 (hg19) VCF-style: chr5-112175440-G-GT.
Other names: c.4152dup, p.Ser1385Ter (NM_001127510.3, NM_001354895.2, NM_001407450.1); c.4098dup, p.Ser1367Ter (NM_001127511.3); c.4206dup, p.Ser1403Ter (NM_001354896.2, NM_001407447.1, NM_001407448.1 and 1 more transcripts); c.4182dup, p.Ser1395Ter (NM_001354897.2); c.4077dup, p.Ser1360Ter (NM_001354898.2); c.4068dup, p.Ser1357Ter (NM_001354899.2); c.4029dup, p.Ser1344Ter (NM_001354900.2); c.3975dup, p.Ser1326Ter (NM_001354901.2, NM_001407453.1); and 11 more; short protein forms S1001*, S1102*, S1225*, S1256*, S1259*, S1284*, S1294*, S1302*.
Identifiers: ClinVar variation 2583477 (VCV002583477.1), dbSNP rs2533552429, ClinGen allele CA445964158.

ClinVar aggregate classification (germline): Pathogenic (1 of 4 stars; one submission).

Conditions:
Familial adenomatous polyposis 1 (FAP1). Also called: POLYPOSIS, ADENOMATOUS INTESTINAL; FAMILIAL ADENOMATOUS POLYPOSIS 1, ATTENUATED. Identifiers: MedGen C2713442, MONDO:0021056, OMIM 175100. Disease mechanism: loss of function.

Submission:

Myriad Genetics, Inc.
Classification: Pathogenic for Familial adenomatous polyposis 1. Last evaluated: 2023-05-10. Review status: criteria provided, single submitter. Criteria: Myriad Autosomal Dominant, Autosomal Recessive and X-Linked Classification Criteria (2023). Collection method: clinical testing. Allele origin: unknown.
Comment: This variant is considered pathogenic. This variant creates a termination codon and is predicted to result in premature protein truncation.